The following is an entry in ClinVar:

NM_005236.3(ERCC4):c.2656A>G (p.Ser886Gly)

Gene: ERCC4 (ERCC excision repair 4, endonuclease catalytic subunit; plus strand). Cytogenetic location: 16p13.12.
Variant type: single nucleotide variant.
Coding change: c.2656A>G on transcript NM_005236.3 (MANE Select); coding-DNA position 2656, A replaced by G.
Protein change: p.Ser886Gly; replaces serine 886 with glycine.
Molecular consequence: missense variant.
Genome position (GRCh38, 1-based): chr16:13,948,252, A>G. VCF-style: chr16-13948252-A-G. GRCh37 (hg19) VCF-style: chr16-14042109-A-G.
Other names: short protein forms S886G.
Identifiers: ClinVar variation 2924233 (VCV002924233.5), dbSNP rs2032563240, ClinGen allele CA394824788.

ClinVar aggregate classification (germline): Uncertain significance. Review status: criteria provided, multiple submitters, no conflicts (2 of 4 stars). 3 submissions from 3 submitters: Uncertain significance (3). Last evaluated 2025-04-26.

Conditions:
Xeroderma pigmentosum, group F (XPF). Also called: ERCC4-Related Xeroderma Pigmentosum; XERODERMA PIGMENTOSUM, TYPE F; Xeroderma pigmentosum, type 6; XERODERMA PIGMENTOSUM, COMPLEMENTATION GROUP F; XERODERMA PIGMENTOSUM VI; XP, GROUP F. Identifiers: MedGen C0268140, MONDO:0010215, OMIM 278760.
Cockayne syndrome. Identifiers: Orphanet 191, MedGen C0009207, MONDO:0016006.
Fanconi anemia complementation group Q. Identifiers: Orphanet 84, MedGen C3808988, MONDO:0014108, OMIM 615272.
XFE progeroid syndrome (XFEPS). Also called: XPF-ERCC1 PROGEROID SYNDROME. Identifiers: MedGen C1970416, MONDO:0012590, OMIM 610965.

Allele frequency attached by ClinVar (database versions not stated): gnomAD exomes below 0.00001; TOPMed 0.00002.
gnomAD v4.1: 1 of 1,614,160 alleles (0.000062%); highest among the groups gnomAD compares: African/African-American, 0.0013%; no homozygotes.

Submissions (3):

Dasa
Classification: Uncertain significance. Last evaluated: 2025-04-26. Review status: criteria provided, single submitter. Criteria: DASA Assertion Criteria. Collection method: clinical testing. Allele origin: germline.
Comment: NM_005236.3(ERCC4):c.2656A>G (p.Ser886Gly) is a missense variant that results in the substitution of serine with glycine. This variant is rare in population databases. Computational prediction algorithms are consistent with a benign effect. The currently available literature and clinical evidence are not sufficient to establish a definitive association between this variant and the reported condition. Therefore, this variant is classified as a variant of uncertain significance.

Fulgent Genetics
Classification: Uncertain significance for Xeroderma pigmentosum, group F; XFE progeroid syndrome; Fanconi anemia complementation group Q. Last evaluated: 2024-06-12. Review status: criteria provided, single submitter. Criteria: ACMG Guidelines, 2015. Collection method: clinical testing. Allele origin: germline.

Labcorp Genetics (formerly Invitae), Labcorp
Classification: Uncertain significance for Fanconi anemia complementation group Q; Xeroderma pigmentosum, group F; Cockayne syndrome. Last evaluated: 2023-09-18. Review status: criteria provided, single submitter. Criteria: Invitae Variant Classification Sherloc (09022015). Collection method: clinical testing. Allele origin: germline.
Comment: In summary, the available evidence is currently insufficient to determine the role of this variant in disease. Therefore, it has been classified as a Variant of Uncertain Significance. Advanced modeling of protein sequence and biophysical properties (such as structural, functional, and spatial information, amino acid conservation, physicochemical variation, residue mobility, and thermodynamic stability) performed at Invitae indicates that this missense variant is not expected to disrupt ERCC4 protein function. This variant has not been reported in the literature in individuals affected with ERCC4-related conditions. This variant is not present in population databases (gnomAD no frequency). This sequence change replaces serine, which is neutral and polar, with glycine, which is neutral and non-polar, at codon 886 of the ERCC4 protein (p.Ser886Gly).